The following is an entry in ClinVar:

NM_000057.4(BLM):c.2829del (p.Cys944fs)

Gene: BLM (BLM RecQ like helicase; plus strand). Cytogenetic location: 15q26.1.
Variant type: Deletion.
Coding change: c.2829del on transcript NM_000057.4 (MANE Select); coding-DNA position 2829, one base deleted (C; older notation c.2829delC).
Protein change: p.Cys944fs; shifts the reading frame from cysteine 944.
Molecular consequence: frameshift variant.
Genome position (GRCh38, 1-based): chr15:90,790,654, C deleted. VCF-style (leftmost placement, unchanged base first): chr15-90790653-TC-T. GRCh37 (hg19) VCF-style: chr15-91333883-TC-T.
Other names: c.2829del, p.Cys944fs (NM_001287246.2, NM_001287247.2); c.1704del, p.Cys569fs (NM_001287248.2); short protein forms C569fs, C944fs.
Identifiers: ClinVar variation 4715716 (VCV004715716.1).

ClinVar aggregate classification (germline): Pathogenic (1 of 4 stars; one submission).

Conditions:
Bloom syndrome (BLM). Also called: Bloom-Torre-Machacek syndrome. Identifiers: Orphanet 125, MedGen C0005859, MONDO:0008876, OMIM 210900.

Submission:

Labcorp Genetics (formerly Invitae), Labcorp
Classification: Pathogenic for Bloom syndrome. Last evaluated: 2025-03-23. Review status: criteria provided, single submitter. Criteria: Invitae Variant Classification Sherloc (09022015). Collection method: clinical testing. Allele origin: germline.
Comment: This sequence change creates a premature translational stop signal (p.Cys944Valfs*18) in the BLM gene. It is expected to result in an absent or disrupted protein product. Loss-of-function variants in BLM are known to be pathogenic (PMID: 17407155). This variant is not present in population databases (gnomAD no frequency). This variant has not been reported in the literature in individuals affected with BLM-related conditions. For these reasons, this variant has been classified as Pathogenic.

Literature cited by the submitters: PubMed 17407155.